The following is an entry in ClinVar:

ClinVar aggregate classification (germline): Likely pathogenic (1 of 4 stars; one submission).

Submission:

Labcorp Genetics (formerly Invitae), Labcorp
Classification: Likely pathogenic. Last evaluated: 2025-11-16. Review status: criteria provided, single submitter. Criteria: Invitae Variant Classification Sherloc (09022015). Collection method: clinical testing. Allele origin: germline.
Comment: This sequence change creates a premature translational stop signal (p.Leu369Argfs*64) in the FOXC2 gene. While this is not anticipated to result in nonsense mediated decay, it is expected to disrupt the last 133 amino acid(s) of the FOXC2 protein. This variant is not present in population databases (gnomAD no frequency). This premature translational stop signal has been observed in individual(s) with clinical features of lymphedema-distichiasis syndrome (internal data). This variant disrupts the C-terminus of the FOXC2 protein. Other variant(s) that disrupt this region (p.Leu382Alafs*81, p.Q420*, p.Gln478Profs*) have been observed in individuals with FOXC2-related conditions (PMID: 12114478, 27276711; internal data). This suggests that this may be a clinically significant region of the protein. In summary, the currently available evidence indicates that the variant is pathogenic, but additional data are needed to prove that conclusively. Therefore, this variant has been classified as Likely Pathogenic.

Literature cited by the submitters: PubMed 12114478; PubMed 27276711.

NM_005251.3(FOXC2):c.1106del (p.Leu369fs)

Gene: FOXC2 (forkhead box C2; plus strand). Cytogenetic location: 16q24.1.
Variant type: Deletion.
Coding change: c.1106del on transcript NM_005251.3 (MANE Select); coding-DNA position 1106, one base deleted (T; older notation c.1106delT).
Protein change: p.Leu369fs; shifts the reading frame from leucine 369.
Molecular consequence: frameshift variant.
Genome position (GRCh38, 1-based): chr16:86,568,441, T deleted. VCF-style (leftmost placement, unchanged base first): chr16-86568440-CT-C. GRCh37 (hg19) VCF-style: chr16-86602046-CT-C.
Other names: short protein forms L369fs.
Identifiers: ClinVar variation 4731325 (VCV004731325.1).
Genomic context (GRCh38, chr16:86,568,440, plus strand): 5'-TGCGTCCCGCCCGCCCTGGACGAGGCCCTCTCGGACCACCCGAGCGGCCCCACGTCGCCC[CT>C]GAGCGCTCTCAACCTCGCCGCCGGCCAGGAGGGCGCGCTCGCCGCCACGGGCCACCACCA-3'